The following is an entry in ClinVar:

ClinVar aggregate classification (germline): Likely benign (1 of 4 stars; one submission).

Submission:

GeneDx
Classification: Likely benign. Last evaluated: 2018-06-16. Review status: criteria provided, single submitter. Criteria: GeneDx Variant Classification (06012015). Collection method: clinical testing. Allele origin: germline. Affected: yes.
Comment: This variant is considered likely benign or benign based on one or more of the following criteria: it is a conservative change, it occurs at a poorly conserved position in the protein, it is predicted to be benign by multiple in silico algorithms, and/or has population frequency not consistent with disease.

NM_182961.4(SYNE1):c.25788+101dup

Gene: SYNE1 (spectrin repeat containing nuclear envelope protein 1; minus strand). Cytogenetic location: 6q25.2.
Variant type: Duplication.
Coding change: c.25788+101dup on transcript NM_182961.4 (MANE Select); 101 bases into the intron after coding-DNA position 25788, one base duplicated (T; older notation c.25788+101dupT).
Molecular consequence: intron variant.
Genome position (GRCh38, 1-based): chr6:152,135,003, A duplicated on the plus strand (T on the coding strand, the reverse complement: SYNE1 is on the minus strand); the first of 9 consecutive A bases (chr6:152,135,003-152,135,011); duplicating any one gives the same sequence. VCF-style (leftmost placement, unchanged base first): chr6-152135002-T-TA. GRCh37 (hg19) VCF-style: chr6-152456137-T-TA.
Other names: c.25644+101dup (NM_033071.5); c.2394+101dup (NM_001347701.2); c.2322+101dup (NM_001347702.2).
Identifiers: ClinVar variation 678385 (VCV000678385.1), dbSNP rs199900975, ClinGen allele CA366077755.